The following is an entry in ClinVar:

NM_152281.3(GORAB):c.618C>T (p.Leu206=)

Gene: GORAB (golgin, RAB6 interacting; plus strand). Cytogenetic location: 1q24.2.
Variant type: single nucleotide variant.
Coding change: c.618C>T on transcript NM_152281.3 (MANE Select); coding-DNA position 618, C replaced by T.
Protein change: p.Leu206=; no amino-acid change (leucine 206 retained).
Molecular consequence: synonymous variant. On other transcripts: non-coding transcript variant (1).
Genome position (GRCh38, 1-based): chr1:170,544,801, C>T. VCF-style: chr1-170544801-C-T. GRCh37 (hg19) VCF-style: chr1-170513942-C-T.
Other names: c.618C>T, p.Leu206= (NM_001146039.2); c.153C>T, p.Leu51= (NM_001320252.2).
Identifiers: ClinVar variation 786474 (VCV000786474.16), dbSNP rs35872826, ClinGen allele CA1239182.

ClinVar aggregate classification (germline): Benign/Likely benign. Review status: criteria provided, multiple submitters, no conflicts (2 of 4 stars). 5 submissions from 5 submitters: Benign (4); Likely benign (1). Last evaluated 2026-01-28.

Conditions:
Geroderma osteodysplastica (GO). Also called: WALT DISNEY DWARFISM; Geroderma osteodysplasticum. Identifiers: Orphanet 2078, MedGen C0432255, MONDO:0009271, OMIM 231070.

Allele frequency attached by ClinVar (database versions not stated): ExAC 0.00168; gnomAD 0.00499 and 0.00535; TOPMed 0.00548; 1000 Genomes Project 0.00579; ESP Exome Variant Server 0.00592; 1000 Genomes Project 30x 0.00640; gnomAD exomes 0.00129.
gnomAD v4.1: 1,454 of 1,614,052 alleles (0.09%); highest among the groups gnomAD compares: African/African-American, 1.8%; 8 homozygotes.

Submissions (5):

Labcorp Genetics (formerly Invitae), Labcorp
Classification: Benign. Last evaluated: 2026-01-28. Review status: criteria provided, single submitter. Criteria: Invitae Variant Classification Sherloc (09022015). Collection method: clinical testing. Allele origin: germline.

Blueprint Genetics
Classification: Likely benign. Last evaluated: 2024-11-25. Review status: criteria provided, single submitter. Criteria: ACMG Guidelines, 2015. Collection method: clinical testing. Allele origin: germline.

Genome-Nilou Lab
Classification: Benign for Geroderma osteodysplastica. Last evaluated: 2023-04-11. Review status: criteria provided, single submitter. Criteria: ACMG Guidelines, 2015. Collection method: clinical testing. Allele origin: germline. Affected: no.

Illumina Laboratory Services, Illumina
Classification: Benign for Geroderma osteodysplastica. Last evaluated: 2018-01-12. Review status: criteria provided, single submitter. Criteria: ICSL Variant Classification Criteria 13 December 2019. Collection method: clinical testing. Allele origin: germline.
Comment: This variant was observed in the ICSL laboratory as part of a predisposition screen in an ostensibly healthy population. It had not been previously curated by ICSL or reported in the Human Gene Mutation Database (HGMD: prior to June 1st, 2018), and was therefore a candidate for classification through an automated scoring system. Utilizing variant allele frequency, disease prevalence and penetrance estimates, and inheritance mode, an automated score was calculated to assess if this variant is too frequent to cause the disease. Based on the score and internal cut-off values, a variant classified as benign is not then subjected to further curation. The score for this variant resulted in a classification of benign for this disease.

Breakthrough Genomics
Classification: Benign. Review status: criteria provided, single submitter. Criteria: ACMG Guidelines, 2015. Collection method: not provided. Allele origin: germline. Inheritance: Autosomal recessive inheritance. Affected: yes.